The following is an entry in ClinVar:

NM_000334.4(SCN4A):c.3442-130G>A

Genes: GH-LCR (growth hormone locus control region; plus strand), SCN4A (sodium voltage-gated channel alpha subunit 4; minus strand). Cytogenetic location: 17q23.3.
Variant type: single nucleotide variant.
Coding change: c.3442-130G>A on transcript NM_000334.4 (MANE Select); 130 bases into the intron before coding-DNA position 3442, G replaced by A.
Molecular consequence: intron variant.
Genome position (GRCh38, 1-based): chr17:63,945,768, C>T on the plus strand (G>A on the coding strand, the complement: SCN4A is on the minus strand). VCF-style: chr17-63945768-C-T. GRCh37 (hg19) VCF-style: chr17-62023128-C-T.
Identifiers: ClinVar variation 669353 (VCV000669353.1), dbSNP rs11657448, ClinGen allele CA14456463.

ClinVar aggregate classification (germline): Benign (1 of 4 stars; one submission).

Allele frequency attached by ClinVar (database versions not stated): 1000 Genomes Project 30x 0.23610; 1000 Genomes Project 0.24421; TOPMed 0.26201; gnomAD 0.27202 and 0.27238; gnomAD exomes 0.29346.
gnomAD v4.1: 230,347 of 793,608 alleles (29%); highest among the groups gnomAD compares: East Asian, 38%; 36,480 homozygotes.

Submission:

GeneDx
Classification: Benign. Last evaluated: 2018-06-14. Review status: criteria provided, single submitter. Criteria: GeneDx Variant Classification (06012015). Collection method: clinical testing. Allele origin: germline. Affected: yes.
Comment: This variant is considered likely benign or benign based on one or more of the following criteria: it is a conservative change, it occurs at a poorly conserved position in the protein, it is predicted to be benign by multiple in silico algorithms, and/or has population frequency not consistent with disease.